The following is an entry in ClinVar:

NM_002471.4(MYH6):c.4651-3C>A

Genes: MYH6 (myosin heavy chain 6; minus strand), LOC126861896 (BRD4-independent group 4 enhancer GRCh37_chr14:23854904-23856103; plus strand). Cytogenetic location: 14q11.2.
Variant type: single nucleotide variant.
Coding change: c.4651-3C>A on transcript NM_002471.4 (MANE Select); 3 bases into the intron before coding-DNA position 4651, C replaced by A.
Molecular consequence: intron variant.
Genome position (GRCh38, 1-based): chr14:23,386,626, G>T on the plus strand (C>A on the coding strand, the complement: MYH6 is on the minus strand). VCF-style: chr14-23386626-G-T. GRCh37 (hg19) VCF-style: chr14-23855835-G-T.
Identifiers: ClinVar variation 239176 (VCV000239176.35), dbSNP rs572175190, ClinGen allele CA7114675.

ClinVar aggregate classification (germline): Conflicting classifications of pathogenicity. Review status: criteria provided, conflicting classifications (1 of 4 stars). 8 submissions from 8 submitters: Uncertain significance (4); Benign (1); Likely benign (1). 2 of the submissions do not count toward it. Last evaluated 2026-01-27.

Conditions:
MYH6-related disorder. Also called: MYH6-related condition; MYH6-Related Disorders.
Cardiovascular phenotype. Identifiers: MedGen CN230736.
Hypertrophic cardiomyopathy 14. Identifiers: MedGen C2750467, MONDO:0013197, OMIM 613251.

Allele frequency attached by ClinVar (database versions not stated): gnomAD 0.00009; gnomAD exomes 0.00009 and 0.00015; TOPMed 0.00012; ExAC 0.00018.
gnomAD v4.1: 146 of 1,607,918 alleles (0.0091%); highest among the groups gnomAD compares: Middle Eastern, 0.033%; no homozygotes.

Submissions (8):

Labcorp Genetics (formerly Invitae), Labcorp
Classification: Uncertain significance for Hypertrophic cardiomyopathy 14. Last evaluated: 2026-01-27. Review status: criteria provided, single submitter. Criteria: Invitae Variant Classification Sherloc (09022015). Collection method: clinical testing. Allele origin: germline.
Comment: This sequence change falls in intron 32 of the MYH6 gene. It does not directly change the encoded amino acid sequence of the MYH6 protein. It affects a nucleotide within the consensus splice site. This variant is present in population databases (rs572175190, gnomAD 0.07%), and has an allele count higher than expected for a pathogenic variant. This variant has not been reported in the literature in individuals affected with MYH6-related conditions. ClinVar contains an entry for this variant (Variation ID: 239176). Variants that disrupt the consensus splice site are a relatively common cause of aberrant splicing (PMID: 17576681, 9536098). Algorithms developed to predict the effect of sequence changes on RNA splicing suggest that this variant is not likely to affect RNA splicing. In summary, the available evidence is currently insufficient to determine the role of this variant in disease. Therefore, it has been classified as a Variant of Uncertain Significance.

Women's Health and Genetics/Laboratory Corporation of America, LabCorp
Classification: Benign. Last evaluated: 2025-09-15. Review status: criteria provided, single submitter. Criteria: LabCorp Variant Classification Summary - May 2015. Collection method: clinical testing. Allele origin: germline.

Ambry Genetics
Classification: Uncertain significance for Cardiovascular phenotype. Last evaluated: 2025-09-09. Review status: criteria provided, single submitter. Criteria: Ambry Variant Classification Scheme 2023. Collection method: clinical testing. Allele origin: germline.
Comment: The c.4651-3C>A intronic variant results from a C to A substitution 3 nucleotides before coding exon 31 in the MYH6 gene. This nucleotide position is well conserved in available vertebrate species. In silico splice site analysis predicts that this alteration will not have any significant effect on splicing. Since supporting evidence is limited at this time, the clinical significance of this alteration remains unclear.

PreventionGenetics, part of Exact Sciences
Classification: Likely benign for MYH6-related condition. Last evaluated: 2025-04-02. Review status: criteria provided, single submitter. Criteria: ACMG Guidelines, 2015. Collection method: clinical testing. Allele origin: germline.
Comment: This variant is classified as likely benign based on ACMG/AMP sequence variant interpretation guidelines (Richards et al. 2015 PMID: 25741868, with internal and published modifications).

Baylor Genetics
Classification: Uncertain significance for Hypertrophic cardiomyopathy 14. Last evaluated: 2019-07-25. Review status: criteria provided, single submitter. Criteria: ACMG Guidelines, 2015. Collection method: clinical testing. Allele origin: unknown. Affected: yes.
Comment: This variant was determined to be of uncertain significance according to ACMG Guidelines, 2015 [PMID:25741868].

GeneDx
Classification: Uncertain significance. Last evaluated: 2018-01-30. Review status: criteria provided, single submitter. Criteria: GeneDx Variant Classification (06012015). Collection method: clinical testing. Allele origin: germline. Affected: yes.
Comment: A variant of uncertain significance has been identified in the MYH6 gene. The c.4651-3 C>A variant has not been published as pathogenic or been reported as benign to our knowledge. The c.4651-3 C>A variant is observed in 7/9634 (0.07%) alleles from individuals of Ashkenazi Jewish background and in 45/271634 (0.02%) global alleles in large population cohorts (Lek et al., 2016). This substitution occurs at a nucleotide that is not conserved. In-silico splice algorithms are inconclusive as to whether this variant impacts the natural splice acceptor site in intron 32 and results in abnormal gene splicing. In the absence of functional mRNA studies, the physiological consequence of this variant cannot be precisely determined.

Diagnostic Laboratory, Department of Genetics, University Medical Center Groningen
Classification: Likely benign. Review status: no assertion criteria provided. Collection method: clinical testing. Allele origin: germline. Affected: yes. Study: VKGL Data-share Consensus. Not counted in ClinVar's aggregate classification.

Joint Genome Diagnostic Labs from Nijmegen and Maastricht, Radboudumc and MUMC+
Classification: Likely benign. Review status: no assertion criteria provided. Collection method: clinical testing. Allele origin: germline. Affected: yes. Study: VKGL Data-share Consensus. Not counted in ClinVar's aggregate classification.

Literature cited by the submitters: PubMed 17576681 (cited by Labcorp Genetics (formerly Invitae), Labcorp); PubMed 9536098 (cited by Labcorp Genetics (formerly Invitae), Labcorp).